The following is an entry in ClinVar:

NM_004415.4(DSP):c.8170C>T (p.Gln2724Ter)

Gene: DSP (desmoplakin; plus strand). Cytogenetic location: 6p24.3.
Variant type: single nucleotide variant.
Coding change: c.8170C>T on transcript NM_004415.4 (MANE Select); coding-DNA position 8170, C replaced by T.
Protein change: p.Gln2724Ter; replaces glutamine 2724 with a stop codon.
Molecular consequence: nonsense.
Genome position (GRCh38, 1-based): chr6:7,585,432, C>T. VCF-style: chr6-7585432-C-T. GRCh37 (hg19) VCF-style: chr6-7585665-C-T.
Other names: c.8170C>T (LRG_423t1); c.6373C>T, p.Gln2125Ter (NM_001008844.3); c.6841C>T, p.Gln2281Ter (NM_001319034.2); short protein forms Q2724*, Q2125*, Q2281*.
Identifiers: ClinVar variation 246677 (VCV000246677.15), dbSNP rs879254353, ClinGen allele CA10584685.

ClinVar aggregate classification (germline): Pathogenic. Review status: criteria provided, multiple submitters, no conflicts (2 of 4 stars). 3 submissions from 3 submitters: Pathogenic (3). Last evaluated 2026-05-22.

Conditions:
Cardiovascular phenotype. Identifiers: MedGen CN230736.
Arrhythmogenic cardiomyopathy with wooly hair and keratoderma. Also called: Carvajal syndrome; Dilated cardiomyopathy with woolly hair and keratoderma; PALMOPLANTAR KERATODERMA WITH LEFT VENTRICULAR CARDIOMYOPATHY AND WOOLLY HAIR; Arrhythmogenic cardiomyopathy with woolly hair and keratoderma. Identifiers: Orphanet 65282, MedGen C1854063, MONDO:0011581, OMIM 605676.
Arrhythmogenic right ventricular dysplasia 8 (ARVD8). Also called: Arrhythmogenic Right Ventricular Dysplasia/Cardiomyopathy 8; ARRHYTHMOGENIC RIGHT VENTRICULAR CARDIOMYOPATHY 8; ARRHYTHMOGENIC RIGHT VENTRICULAR DYSPLASIA, FAMILIAL, 8. Identifiers: MedGen C1843896, MONDO:0011831, OMIM 607450.

Submissions (3):

Ambry Genetics
Classification: Pathogenic for Cardiovascular phenotype. Last evaluated: 2026-05-22. Review status: criteria provided, single submitter. Criteria: Ambry Variant Classification Scheme 2023. Collection method: clinical testing. Allele origin: germline.
Comment: The p.Q2724* pathogenic mutation (also known as c.8170C>T), located in coding exon 24 of the DSP gene, results from a C to T substitution at nucleotide position 8170. This changes the amino acid from a glutamine to a stop codon within coding exon 24. This variant occurs at the 3' terminus of the gene, is not expected to trigger nonsense-mediated mRNA decay, and impacts the last 5% of the protein. However, premature stop codons are typically deleterious in nature and the impacted region is critical for protein function (Ambry internal data). This variant was reported in individual(s) with features consistent with arrhythmogenic right ventricular cardiomyopathy (ARVC) (Scheel PJ et al. Am J Cardiol, 2021 Apr;145:128-134). This variant is considered to be rare based on population cohorts in the Genome Aggregation Database (gnomAD). Based on the supporting evidence, this variant is interpreted as a disease-causing mutation.

Labcorp Genetics (formerly Invitae), Labcorp
Classification: Pathogenic for Arrhythmogenic cardiomyopathy with wooly hair and keratoderma; Arrhythmogenic right ventricular dysplasia 8. Last evaluated: 2025-11-20. Review status: criteria provided, single submitter. Criteria: Invitae Variant Classification Sherloc (09022015). Collection method: clinical testing. Allele origin: germline.
Comment: This sequence change creates a premature translational stop signal (p.Gln2724*) in the DSP gene. While this is not anticipated to result in nonsense mediated decay, it is expected to disrupt the last 148 amino acid(s) of the DSP protein. This variant is not present in population databases (gnomAD no frequency). This premature translational stop signal has been observed in individual(s) with autosomal dominant arrhythmogenic right ventricular cardiomyopathy (ARVC) (PMID: 33460606). ClinVar contains an entry for this variant (Variation ID: 246677). This variant disrupts a region of the DSP protein in which other variant(s) (p.Glu2728Glyfs*11) have been determined to be pathogenic (internal data). This suggests that this is a clinically significant region of the protein, and that variants that disrupt it are likely to be disease-causing. For these reasons, this variant has been classified as Pathogenic.

GeneDx
Classification: Pathogenic. Last evaluated: 2023-09-25. Review status: criteria provided, single submitter. Criteria: GeneDx Variant Classification Process June 2021. Collection method: clinical testing. Allele origin: germline. Affected: yes.
Comment: Nonsense variant predicted to result in protein truncation or nonsense mediated decay in a gene for which loss of function is a known mechanism of disease; Not observed in large population cohorts (gnomAD); This variant is associated with the following publications: (PMID: 33460606)

Literature cited by the submitters: PubMed 33460606 (cited by Ambry Genetics and Labcorp Genetics (formerly Invitae), Labcorp).